The following is an entry in ClinVar:

ClinVar aggregate classification (germline): Uncertain significance (1 of 4 stars; one submission).

Conditions:
Cortical dysplasia-focal epilepsy syndrome (PTHSL1). Also called: Pitt-Hopkins-like syndrome 1. Identifiers: Orphanet 163681, Orphanet 221150, MedGen C2750246, MONDO:0012400, OMIM 610042.

Allele frequency attached by ClinVar (database versions not stated): gnomAD exomes below 0.00001; TOPMed below 0.00001; gnomAD 0.00001.
gnomAD v4.1: 3 of 1,614,032 alleles (0.00019%); highest among the groups gnomAD compares: African/African-American, 0.0013%; no homozygotes.

Submission:

Labcorp Genetics (formerly Invitae), Labcorp
Classification: Uncertain significance for Cortical dysplasia-focal epilepsy syndrome. Last evaluated: 2022-08-11. Review status: criteria provided, single submitter. Criteria: Invitae Variant Classification Sherloc (09022015). Collection method: clinical testing. Allele origin: germline.
Comment: This variant is not present in population databases (gnomAD no frequency). In summary, the available evidence is currently insufficient to determine the role of this variant in disease. Therefore, it has been classified as a Variant of Uncertain Significance. Algorithms developed to predict the effect of missense changes on protein structure and function are either unavailable or do not agree on the potential impact of this missense change (SIFT: "Deleterious"; PolyPhen-2: "Probably Damaging"; Align-GVGD: "Class C0"). This variant has not been reported in the literature in individuals affected with CNTNAP2-related conditions. This sequence change replaces tyrosine, which is neutral and polar, with cysteine, which is neutral and slightly polar, at codon 307 of the CNTNAP2 protein (p.Tyr307Cys).

NM_014141.6(CNTNAP2):c.920A>G (p.Tyr307Cys)

Gene: CNTNAP2 (contactin associated protein 2; plus strand). Cytogenetic location: 7q35.
Variant type: single nucleotide variant.
Coding change: c.920A>G on transcript NM_014141.6 (MANE Select); coding-DNA position 920, A replaced by G.
Protein change: p.Tyr307Cys; replaces tyrosine 307 with cysteine.
Molecular consequence: missense variant.
Genome position (GRCh38, 1-based): chr7:147,121,144, A>G. VCF-style: chr7-147121144-A-G. GRCh37 (hg19) VCF-style: chr7-146818236-A-G.
Other names: short protein forms Y307C.
Identifiers: ClinVar variation 1716111 (VCV001716111.6), dbSNP rs983707393, ClinGen allele CA168689482.